The following is an entry in ClinVar:

ClinVar aggregate classification (germline): Uncertain significance. Review status: criteria provided, multiple submitters, no conflicts (2 of 4 stars). 2 submissions from 2 submitters: Uncertain significance (2). Last evaluated 2023-11-07.

Allele frequency attached by ClinVar (database versions not stated): ExAC 0.00001; gnomAD exomes 0.00001 and 0.00003.

Submissions (2):

Blueprint Genetics
Classification: Uncertain significance. Last evaluated: 2023-11-07. Review status: criteria provided, single submitter. Criteria: ACMG Guidelines, 2015. Collection method: clinical testing. Allele origin: germline.

Labcorp Genetics (formerly Invitae), Labcorp
Classification: Uncertain significance. Last evaluated: 2021-08-31. Review status: criteria provided, single submitter. Criteria: Invitae Variant Classification Sherloc (09022015). Collection method: clinical testing. Allele origin: germline.
Comment: This sequence change replaces arginine with tryptophan at codon 159 of the CABP4 protein (p.Arg159Trp). The arginine residue is highly conserved and there is a moderate physicochemical difference between arginine and tryptophan. This variant is present in population databases (rs771461850, ExAC 0.002%). This variant has not been reported in the literature in individuals affected with CABP4-related conditions. Algorithms developed to predict the effect of missense changes on protein structure and function (SIFT, PolyPhen-2, Align-GVGD) all suggest that this variant is likely to be disruptive. In summary, the available evidence is currently insufficient to determine the role of this variant in disease. Therefore, it has been classified as a Variant of Uncertain Significance.

NM_145200.5(CABP4):c.475C>T (p.Arg159Trp)

Gene: CABP4 (calcium binding protein 4; plus strand). Cytogenetic location: 11q13.2.
Variant type: single nucleotide variant.
Coding change: c.475C>T on transcript NM_145200.5 (MANE Select); coding-DNA position 475, C replaced by T.
Protein change: p.Arg159Trp; replaces arginine 159 with tryptophan.
Molecular consequence: missense variant.
Genome position (GRCh38, 1-based): chr11:67,456,376, C>T. VCF-style: chr11-67456376-C-T. GRCh37 (hg19) VCF-style: chr11-67223847-C-T.
Other names: c.160C>T, p.Arg54Trp (NM_001300895.3, NM_001300896.3, NM_001379183.1); short protein forms R159W, R54W.
Identifiers: ClinVar variation 1353770 (VCV001353770.6), dbSNP rs771461850, ClinGen allele CA6140232.